The following is an entry in ClinVar:

ClinVar aggregate classification (germline): Uncertain significance (1 of 4 stars; one submission).

Submission:

CeGaT Center for Human Genetics Tuebingen
Classification: Uncertain significance. Last evaluated: 2025-02-01. Review status: criteria provided, single submitter. Criteria: CeGaT Center For Human Genetics Tuebingen Variant Classification Criteria Version 2. Collection method: clinical testing. Allele origin: germline. Affected: yes. Observed: 1 variant allele.
Comment: ZNF469: PM2, BP4

NM_001367624.2(ZNF469):c.2099G>A (p.Gly700Glu)

Gene: ZNF469 (zinc finger protein 469; plus strand). Cytogenetic location: 16q24.2.
Variant type: single nucleotide variant.
Coding change: c.2099G>A on transcript NM_001367624.2 (MANE Select); coding-DNA position 2099, G replaced by A.
Protein change: p.Gly700Glu; replaces glycine 700 with glutamic acid.
Molecular consequence: missense variant.
Genome position (GRCh38, 1-based): chr16:88,429,569, G>A. VCF-style: chr16-88429569-G-A. GRCh37 (hg19) VCF-style: chr16-88495977-G-A.
Other names: short protein forms G700E.
Identifiers: ClinVar variation 3772522 (VCV003772522.13).
Genomic context (GRCh38, chr16:88,429,569, plus strand): 5'-GTGCCTTCCAGTGCCTGGAGGAGACCCCATTCCCCCACGAGGGCCCCGAGGTGGGTCGGG[G>A]AGGGCTGCAGGGCTTCCCCCGTGCGCCGCCTCCGTACCCCACACACCACTTCTCCCTCAG-3'
Protein context (NP_001354553.1, residues 690-710): FPHEGPEVGR[Gly700Glu]GLQGFPRAPP